The following is an entry in ClinVar:

NM_000937.5(POLR2A):c.4495A>G (p.Thr1499Ala)

Gene: POLR2A (RNA polymerase II subunit A; plus strand). Cytogenetic location: 17p13.1.
Variant type: single nucleotide variant.
Coding change: c.4495A>G on transcript NM_000937.5 (MANE Select); coding-DNA position 4495, A replaced by G.
Protein change: p.Thr1499Ala; replaces threonine 1499 with alanine.
Molecular consequence: missense variant.
Genome position (GRCh38, 1-based): chr17:7,512,479, A>G. VCF-style: chr17-7512479-A-G. GRCh37 (hg19) VCF-style: chr17-7415798-A-G.
Other names: short protein forms T1499A.
Identifiers: ClinVar variation 1696890 (VCV001696890.2), dbSNP rs1597806550, ClinGen allele CA397828703.

ClinVar aggregate classification (germline): Uncertain significance (1 of 4 stars; one submission).

Allele frequency attached by ClinVar (database versions not stated): gnomAD exomes below 0.00001.

Submission:

GeneDx
Classification: Uncertain significance. Last evaluated: 2022-01-18. Review status: criteria provided, single submitter. Criteria: GeneDx Variant Classification Process June 2021. Collection method: clinical testing. Allele origin: germline. Affected: yes.
Comment: Has not been previously published as pathogenic or benign to our knowledge; Not observed at significant frequency in large population cohorts (gnomAD); In silico analysis supports that this missense variant does not alter protein structure/function